The following is an entry in ClinVar:

ClinVar aggregate classification (germline): Pathogenic (1 of 4 stars; one submission).

Conditions:
Retinoblastoma (RB1). Also called: RETINOBLASTOMA, SOMATIC. Identifiers: Orphanet 790, MedGen C0035335, MeSH D012175, MONDO:0008380, OMIM 180200, HP:0009919. Disease mechanism: loss of function. Inheritance: Both sporadic and heritable forms are tested..

Submission:

Labcorp Genetics (formerly Invitae), Labcorp
Classification: Pathogenic for Retinoblastoma. Last evaluated: 2019-02-02. Review status: criteria provided, single submitter. Criteria: Invitae Variant Classification Sherloc (09022015). Collection method: clinical testing. Allele origin: germline.
Comment: For these reasons, this variant has been classified as Pathogenic. Loss-of-function variants in RB1 are known to be pathogenic (PMID: 17096365). This variant has not been reported in the literature in individuals with RB1-related conditions. This variant is not present in population databases (ExAC no frequency). This sequence change creates a premature translational stop signal (p.Leu523Phefs*2) in the RB1 gene. It is expected to result in an absent or disrupted protein product.

Literature cited by the submitters: PubMed 17096365.

NM_000321.3(RB1):c.1567_1568dup (p.Leu523fs)

Gene: RB1 (RB transcriptional corepressor 1; plus strand). Cytogenetic location: 13q14.2.
Variant type: Duplication.
Coding change: c.1567_1568dup on transcript NM_000321.3 (MANE Select); coding-DNA positions 1567 to 1568, 2 bases duplicated (TT; older notation c.1567_1568dupTT).
Protein change: p.Leu523fs; shifts the reading frame from leucine 523.
Molecular consequence: frameshift variant.
Genome position (GRCh38, 1-based): chr13:48,381,315-48,381,316, TT duplicated; duplicating any 2 consecutive bases within chr13:48,381,314-48,381,316 gives the same sequence; the c. name uses the placement nearest the transcript's 3' end. VCF-style (leftmost placement, unchanged base first): chr13-48381313-A-ATT. GRCh37 (hg19) VCF-style: chr13-48955449-A-ATT.
Other names: short protein forms L523fs.
Identifiers: ClinVar variation 860929 (VCV000860929.7), dbSNP rs1948533760, ClinGen allele CA916081694.